The following is an entry in ClinVar:

NM_000258.3(MYL3):c.294G>T (p.Lys98Asn)

Gene: MYL3 (myosin light chain 3; minus strand). Cytogenetic location: 3p21.31.
Variant type: single nucleotide variant.
Coding change: c.294G>T on transcript NM_000258.3 (MANE Select); coding-DNA position 294, G replaced by T.
Protein change: p.Lys98Asn; replaces lysine 98 with asparagine.
Molecular consequence: missense variant.
Genome position (GRCh38, 1-based): chr3:46,860,689, C>A on the plus strand (G>T on the coding strand, the complement: MYL3 is on the minus strand). VCF-style: chr3-46860689-C-A. GRCh37 (hg19) VCF-style: chr3-46902179-C-A.
Other names: c.294G>T (NM_000258.2); short protein forms K98N.
Identifiers: ClinVar variation 1437072 (VCV001437072.9), dbSNP rs769503169, ClinGen allele CA043357.
Genomic context (GRCh38, chr3:46,860,689, plus strand): 5'-GTCTCCCCGGTACTAACACTATGGGGGCTCTCGGGCAGGTGCACTACCTTCCTGTCTTGG[C>A]TTCCCCAGGACACGGAGCACTTCTGCCTGTGTGGGGTTCTGGCCCAGCGCCCGCAGGACA-3'
Protein context (NP_000249.1, residues 88-108): TQAEVLRVLG[Lys98Asn]PRQEELNTKM

ClinVar aggregate classification (germline): Uncertain significance. Review status: criteria provided, multiple submitters, no conflicts (2 of 4 stars). 2 submissions from 2 submitters: Uncertain significance (2). Last evaluated 2025-07-09.

Conditions:
Cardiovascular phenotype. Identifiers: MedGen CN230736.
Hypertrophic cardiomyopathy. Also called: HYPERTROPHIC MYOCARDIOPATHY. Identifiers: Orphanet 217569, MedGen C0007194, MeSH D002312, MONDO:0005045, HP:0001639.

Allele frequency attached by ClinVar (database versions not stated): ExAC 0.00001; gnomAD exomes 0.00001 and 0.00002; TOPMed 0.00001.

Submissions (2):

Ambry Genetics
Classification: Uncertain significance for Cardiovascular phenotype. Last evaluated: 2025-07-09. Review status: criteria provided, single submitter. Criteria: Ambry Variant Classification Scheme 2023. Collection method: clinical testing. Allele origin: germline.
Comment: The p.K98N variant (also known as c.294G>T), located in coding exon 3 of the MYL3 gene, results from a G to T substitution at nucleotide position 294. The lysine at codon 98 is replaced by asparagine, an amino acid with similar properties. This amino acid position is conserved. In addition, this alteration is predicted to be tolerated by in silico analysis. Based on the available evidence, the clinical significance of this variant remains unclear.

Labcorp Genetics (formerly Invitae), Labcorp
Classification: Uncertain significance for Hypertrophic cardiomyopathy. Last evaluated: 2022-10-13. Review status: criteria provided, single submitter. Criteria: Invitae Variant Classification Sherloc (09022015). Collection method: clinical testing. Allele origin: germline.
Comment: ClinVar contains an entry for this variant (Variation ID: 1437072). In summary, the available evidence is currently insufficient to determine the role of this variant in disease. Therefore, it has been classified as a Variant of Uncertain Significance. Algorithms developed to predict the effect of missense changes on protein structure and function (SIFT, PolyPhen-2, Align-GVGD) all suggest that this variant is likely to be tolerated. This variant has not been reported in the literature in individuals affected with MYL3-related conditions. This variant is present in population databases (rs769503169, gnomAD 0.01%). This sequence change replaces lysine, which is basic and polar, with asparagine, which is neutral and polar, at codon 98 of the MYL3 protein (p.Lys98Asn).